The following is an entry in ClinVar:

NM_000189.5(HK2):c.591+10G>A

Gene: HK2 (hexokinase 2; plus strand). Cytogenetic location: 2p12.
Variant type: single nucleotide variant.
Coding change: c.591+10G>A on transcript NM_000189.5 (MANE Select); 10 bases into the intron after coding-DNA position 591, G replaced by A.
Molecular consequence: intron variant.
Genome position (GRCh38, 1-based): chr2:74,873,381, G>A. VCF-style: chr2-74873381-G-A. GRCh37 (hg19) VCF-style: chr2-75100508-G-A.
Other names: c.507+10G>A (NM_001371525.1).
Identifiers: ClinVar variation 3037582 (VCV003037582.2), dbSNP rs76319740, ClinGen allele CA1731124.

ClinVar aggregate classification (germline): Benign (0 of 4 stars; one submission).

Conditions:
HK2-related disorder. Also called: HK2-related condition.

Allele frequency attached by ClinVar (database versions not stated): ESP Exome Variant Server 0.00531; TOPMed 0.00454; 1000 Genomes Project 0.00819; 1000 Genomes Project 30x 0.00843.
gnomAD v4.1: 1,206 of 1,604,128 alleles (0.075%); highest among the groups gnomAD compares: African/African-American, 1.4%; 8 homozygotes.

Submission:

PreventionGenetics, part of Exact Sciences
Classification: Benign for HK2-related condition. Last evaluated: 2019-04-25. Review status: no assertion criteria provided. Collection method: clinical testing. Allele origin: germline.
Comment: This variant is classified as benign based on ACMG/AMP sequence variant interpretation guidelines (Richards et al. 2015 PMID: 25741868, with internal and published modifications).